The following is an entry in ClinVar:

NM_020931.4(KIAA1586):c.2101G>T (p.Ala701Ser)

Gene: KIAA1586 (KIAA1586; plus strand). Cytogenetic location: 6p12.1.
Variant type: single nucleotide variant.
Coding change: c.2101G>T on transcript NM_020931.4 (MANE Select); coding-DNA position 2101, G replaced by T.
Protein change: p.Ala701Ser; replaces alanine 701 with serine.
Molecular consequence: missense variant.
Genome position (GRCh38, 1-based): chr6:57,054,600, G>T. VCF-style: chr6-57054600-G-T. GRCh37 (hg19) VCF-style: chr6-56919398-G-T.
Other names: c.2020G>T, p.Ala674Ser (NM_001286274.2); c.1900G>T, p.Ala634Ser (NM_001286275.2, NM_001286276.2); short protein forms A634S, A674S, A701S.
Identifiers: ClinVar variation 3347657 (VCV003347657.1).

ClinVar aggregate classification (germline): Uncertain significance (0 of 4 stars; one submission).

Conditions:
KIAA1586-related disorder. Also called: KIAA1586-related condition.

Submission:

PreventionGenetics, part of Exact Sciences
Classification: Uncertain significance for KIAA1586-related condition. Last evaluated: 2024-09-25. Review status: no assertion criteria provided. Collection method: clinical testing. Allele origin: germline.
Comment: The KIAA1586 c.2101G>T variant is predicted to result in the amino acid substitution p.Ala701Ser. To our knowledge, this variant has not been reported in the literature or in a large population database, indicating this variant is rare. At this time, the clinical significance of this variant is uncertain due to the absence of conclusive functional and genetic evidence.